The following is an entry in ClinVar:

NM_000053.4(ATP7B):c.3646G>T (p.Val1216Leu)

Gene: ATP7B (ATPase copper transporting beta; minus strand). Cytogenetic location: 13q14.3.
Variant type: single nucleotide variant.
Coding change: c.3646G>T on transcript NM_000053.4 (MANE Select); coding-DNA position 3646, G replaced by T.
Protein change: p.Val1216Leu; replaces valine 1216 with leucine.
Molecular consequence: missense variant.
Genome position (GRCh38, 1-based): chr13:51,939,104, C>A on the plus strand (G>T on the coding strand, the complement: ATP7B is on the minus strand). VCF-style: chr13-51939104-C-A. GRCh37 (hg19) VCF-style: chr13-52513240-C-A.
Other names: c.3025G>T, p.Val1009Leu (NM_001005918.3); c.3313G>T, p.Val1105Leu (NM_001243182.2); c.3412G>T, p.Val1138Leu (NM_001330578.2, NM_001406527.1, NM_001406528.1); c.3394G>T, p.Val1132Leu (NM_001330579.2, NM_001406531.1, NM_001406532.1); c.3646G>T, p.Val1216Leu (NM_001406511.1, NM_001406512.1, NM_001406526.1); c.3640G>T, p.Val1214Leu (NM_001406513.1); c.3613G>T, p.Val1205Leu (NM_001406514.1); c.3592G>T, p.Val1198Leu (NM_001406515.1, NM_001406516.1); and 20 more; short protein forms V1000L, V1009L, V1022L, V1052L, V1054L, V1067L, V1073L, V1090L.
Identifiers: ClinVar variation 4852555 (VCV004852555.1).

ClinVar aggregate classification (germline): Uncertain significance (1 of 4 stars; one submission).

Conditions:
Wilson disease (WND). Also called: Wilson's disease. Identifiers: Orphanet 905, MedGen C0019202, MONDO:0010200, OMIM 277900. Disease mechanism: loss of function.

Submission:

Chongqing Key Laboratory of Child Rare Diseases in Infection and Immunity, Children’s Hospital of Chongqing Medical University
Classification: Uncertain significance for Wilson disease. Last evaluated: 2024-01-01. Review status: criteria provided, single submitter. Criteria: ACMG Guidelines, 2015. Collection method: clinical testing. Allele origin: germline. Inheritance: Autosomal recessive inheritance. Affected: yes.
Comment: Classified as Uncertain significance according to the ACMG/AMP 2015 guidelines (PMID:25741868). The classification was based on the available submitted evidence for Wilson disease (OMIM:277900), including clinical-testing observations, variant consequence/protein annotation, and published or ClinVar evidence where available. Supporting information considered: variant annotation: p.Val1216Leu; Missense; Protein domain: N-domain-enriched; submitted notation: NM_000053.4:c.3646G>T (p.Val1216Leu); source variant type: Missense; source domain: N-domain-enriched; allele count n=230: 1.